The following is an entry in ClinVar:

ClinVar aggregate classification (germline): Pathogenic (1 of 4 stars; one submission).

Conditions:
Syndromic multisystem autoimmune disease due to ITCH deficiency. Also called: AUTOIMMUNE DISEASE, MULTISYSTEM, WITH FACIAL DYSMORPHISM. Identifiers: Orphanet 228426, MedGen C3150649, MONDO:0013245, OMIM 613385.

Submission:

Labcorp Genetics (formerly Invitae), Labcorp
Classification: Pathogenic for Syndromic multisystem autoimmune disease due to ITCH deficiency. Last evaluated: 2025-04-27. Review status: criteria provided, single submitter. Criteria: Invitae Variant Classification Sherloc (09022015). Collection method: clinical testing. Allele origin: germline.
Comment: This sequence change creates a premature translational stop signal (p.Tyr579*) in the ITCH gene. It is expected to result in an absent or disrupted protein product. Loss-of-function variants in ITCH are known to be pathogenic (PMID: 20170897). This variant is not present in population databases (gnomAD no frequency). This variant has not been reported in the literature in individuals affected with ITCH-related conditions. Algorithms developed to predict the effect of sequence changes on RNA splicing suggest that this variant may disrupt the consensus splice site. For these reasons, this variant has been classified as Pathogenic.

Literature cited by the submitters: PubMed 20170897.

NM_031483.7(ITCH):c.1737C>G (p.Tyr579Ter)

Gene: ITCH (itchy E3 ubiquitin protein ligase; plus strand). Cytogenetic location: 20q11.22.
Variant type: single nucleotide variant.
Coding change: c.1737C>G on transcript NM_031483.7 (MANE Select); coding-DNA position 1737, C replaced by G.
Protein change: p.Tyr579Ter; replaces tyrosine 579 with a stop codon.
Molecular consequence: nonsense.
Genome position (GRCh38, 1-based): chr20:34,479,708, C>G. VCF-style: chr20-34479708-C-G. GRCh37 (hg19) VCF-style: chr20-33067513-C-G.
Other names: c.1860C>G, p.Tyr620Ter (NM_001257137.3, NM_001324197.2); c.1407C>G, p.Tyr469Ter (NM_001257138.3); c.1737C>G, p.Tyr579Ter (NM_001324198.2); short protein forms Y620*, Y579*, Y469*.
Identifiers: ClinVar variation 4718475 (VCV004718475.1).
Genomic context (GRCh38, chr20:34,479,708, plus strand): 5'-GTCACATGAAGTGTTGAACCCAATGTATTGCCTGTTTGAATATGCAGGGAAGGATAACTA[C>G]TGCTTGCAGATAAACCCCGCTTCTTACATCAATCCAGATCACCTGAAATATTTTCGTTTT-3'